The following is an entry in ClinVar:

NM_000341.4(SLC3A1):c.1617+1dup

Gene: SLC3A1 (solute carrier family 3 member 1; plus strand). Cytogenetic location: 2p21.
Variant type: Duplication.
Coding change: c.1617+1dup on transcript NM_000341.4 (MANE Select); the canonical splice donor site of the intron after coding-DNA position 1617, one base duplicated (G; older notation c.1617+1dupG).
Molecular consequence: splice donor variant.
Genome position (GRCh38, 1-based): chr2:44,313,952, G duplicated. VCF-style (leftmost placement, unchanged base first): chr2-44313951-T-TG. GRCh37 (hg19) VCF-style: chr2-44541090-T-TG.
Identifiers: ClinVar variation 1687339 (VCV001687339.6), dbSNP rs2104385579, ClinGen allele CA2573134654.

ClinVar aggregate classification (germline): Pathogenic/Likely pathogenic. Review status: criteria provided, multiple submitters, no conflicts (2 of 4 stars). 3 submissions from 3 submitters: Pathogenic (1); Likely pathogenic (2). Last evaluated 2024-05-09.

Conditions:
Cystinuria (CSNU). Also called: CYSTINURIA, TYPE I; CYSTINURIA, TYPE II; CYSTINURIA, TYPE III; Cystinuria, non-type I. Identifiers: Orphanet 214, MedGen C0010691, MONDO:0009067, OMIM 220100, HP:0003131.

Submissions (3):

Labcorp Genetics (formerly Invitae), Labcorp
Classification: Pathogenic for Cystinuria. Last evaluated: 2024-05-09. Review status: criteria provided, single submitter. Criteria: Invitae Variant Classification Sherloc (09022015). Collection method: clinical testing. Allele origin: germline.
Comment: This sequence change affects a splice site in intron 9 of the SLC3A1 gene. While this variant is not anticipated to result in nonsense mediated decay, it likely alters RNA splicing and results in a disrupted protein product. This variant is not present in population databases (gnomAD no frequency). This variant has not been reported in the literature in individuals affected with SLC3A1-related conditions. ClinVar contains an entry for this variant (Variation ID: 1687339). Variants that disrupt the consensus splice site are a relatively common cause of aberrant splicing (PMID: 17576681, 9536098). This variant disrupts a region of the SLC3A1 protein in which other variant(s) (p.Arg671*) have been determined to be pathogenic (PMID: 28717662, 32133030; Invitae). This suggests that this is a clinically significant region of the protein, and that variants that disrupt it are likely to be disease-causing. For these reasons, this variant has been classified as Pathogenic.

3billion
Classification: Likely pathogenic for Cystinuria. Last evaluated: 2024-02-19. Review status: criteria provided, single submitter. Criteria: ACMG Guidelines, 2015. Collection method: clinical testing. Allele origin: germline. Affected: yes.
Comment: The variant is not observed in the gnomAD v2.1.1 dataset. Predicted Consequence/Location: Frameshift at a splice region: predicted to result in a loss or disruption of normal protein function through protein truncation. The predicted truncated protein may be shortened by more than 10%. The variant has been reported to be associated with SLC3A1-related disorder (3billion dataset). However, the evidence of pathogenicity is insufficient at this time. Therefore, this variant is classified as Likely pathogenic according to the recommendation of ACMG/AMP guideline.

Fulgent Genetics
Classification: Likely pathogenic for Cystinuria. Last evaluated: 2021-10-06. Review status: criteria provided, single submitter. Criteria: ACMG Guidelines, 2015. Collection method: clinical testing. Allele origin: unknown.

Literature cited by the submitters: PubMed 17576681 (cited by Labcorp Genetics (formerly Invitae), Labcorp); PubMed 9536098 (cited by Labcorp Genetics (formerly Invitae), Labcorp); PubMed 28717662 (cited by Labcorp Genetics (formerly Invitae), Labcorp); PubMed 32133030 (cited by Labcorp Genetics (formerly Invitae), Labcorp).